The following is an entry in ClinVar:

ClinVar aggregate classification (germline): Uncertain significance (1 of 4 stars; one submission).

Submission:

Labcorp Genetics (formerly Invitae), Labcorp
Classification: Uncertain significance. Last evaluated: 2025-03-17. Review status: criteria provided, single submitter. Criteria: Invitae Variant Classification Sherloc (09022015). Collection method: clinical testing. Allele origin: germline.
Comment: This sequence change creates a premature translational stop signal (p.Glu152*) in the PLEKHM2 gene. It is expected to result in an absent or disrupted protein product. However, the current clinical and genetic evidence is not sufficient to establish whether loss-of-function variants in PLEKHM2 cause disease. This variant is not present in population databases (gnomAD no frequency). This variant has not been reported in the literature in individuals affected with PLEKHM2-related conditions. In summary, the available evidence is currently insufficient to determine the role of this variant in disease. Therefore, it has been classified as a Variant of Uncertain Significance.

NM_015164.4(PLEKHM2):c.454G>T (p.Glu152Ter)

Gene: PLEKHM2 (pleckstrin homology and RUN domain containing M2; plus strand). Cytogenetic location: 1p36.21.
Variant type: single nucleotide variant.
Coding change: c.454G>T on transcript NM_015164.4 (MANE Select); coding-DNA position 454, G replaced by T.
Protein change: p.Glu152Ter; replaces glutamic acid 152 with a stop codon.
Molecular consequence: nonsense.
Genome position (GRCh38, 1-based): chr1:15,718,614, G>T. VCF-style: chr1-15718614-G-T. GRCh37 (hg19) VCF-style: chr1-16045109-G-T.
Other names: c.454G>T, p.Glu152Ter (NM_001410755.1); short protein forms E152*.
Identifiers: ClinVar variation 4812609 (VCV004812609.1).
Genomic context (GRCh38, chr1:15,718,614, plus strand): 5'-AGCCACGATCACCTGACGCTCTTCCTGACCTTGGTGTCCGGGCTAGAGTTCATTCGTTTC[G>T]AGCTGGATCTGGTGAGACACCAGGGCTCTCACTGCTTGTGGGAAGCAGAGGAGGGGGCAG-3'